The following is an entry in ClinVar:

NM_020795.4(NLGN2):c.1947G>T (p.Leu649=)

Gene: NLGN2 (neuroligin 2; plus strand). Cytogenetic location: 17p13.1.
Variant type: single nucleotide variant.
Coding change: c.1947G>T on transcript NM_020795.4 (MANE Select); coding-DNA position 1947, G replaced by T.
Protein change: p.Leu649=; no amino-acid change (leucine 649 retained).
Molecular consequence: synonymous variant.
Genome position (GRCh38, 1-based): chr17:7,417,238, G>T. VCF-style: chr17-7417238-G-T. GRCh37 (hg19) VCF-style: chr17-7320557-G-T.
Identifiers: ClinVar variation 5040450 (VCV005040450.1).

ClinVar aggregate classification (germline): Likely benign (1 of 4 stars; one submission).

Submission:

CeGaT Center for Human Genetics Tuebingen
Classification: Likely benign. Last evaluated: 2026-08-01. Review status: criteria provided, single submitter. Criteria: CeGaT Center For Human Genetics Tuebingen Variant Classification Criteria Version 2. Collection method: clinical testing. Allele origin: germline. Affected: yes. Observed: 1 variant allele.
Comment: NLGN2: BP4, BP7